The following is an entry in ClinVar:

NM_001040108.2(MLH3):c.2596C>G (p.Leu866Val)

Gene: MLH3 (mutL homolog 3; minus strand). Cytogenetic location: 14q24.3.
Variant type: single nucleotide variant.
Coding change: c.2596C>G on transcript NM_001040108.2 (MANE Select); coding-DNA position 2596, C replaced by G.
Protein change: p.Leu866Val; replaces leucine 866 with valine.
Molecular consequence: missense variant.
Genome position (GRCh38, 1-based): chr14:75,047,060, G>C on the plus strand (C>G on the coding strand, the complement: MLH3 is on the minus strand). VCF-style: chr14-75047060-G-C. GRCh37 (hg19) VCF-style: chr14-75513763-G-C.
Other names: c.2596C>G, p.Leu866Val (NM_014381.3); short protein forms L866V.
Identifiers: ClinVar variation 2141440 (VCV002141440.4), dbSNP rs1892287435, ClinGen allele CA390439652.

ClinVar aggregate classification (germline): Uncertain significance (1 of 4 stars; one submission).

Conditions:
Colorectal cancer, hereditary nonpolyposis, type 7. Identifiers: Orphanet 144, MedGen C1858380, MONDO:0013725, OMIM 614385.

Allele frequency attached by ClinVar (database versions not stated): gnomAD 0.00001; TOPMed 0.00001.
gnomAD v4.1: 2 of 1,613,982 alleles (0.00012%); highest among the groups gnomAD compares: Admixed American, 0.0033%; no homozygotes.

Submission:

Labcorp Genetics (formerly Invitae), Labcorp
Classification: Uncertain significance for Colorectal cancer, hereditary nonpolyposis, type 7. Last evaluated: 2022-04-21. Review status: criteria provided, single submitter. Criteria: Invitae Variant Classification Sherloc (09022015). Collection method: clinical testing. Allele origin: germline.
Comment: This sequence change replaces leucine, which is neutral and non-polar, with valine, which is neutral and non-polar, at codon 866 of the MLH3 protein (p.Leu866Val). This variant is not present in population databases (gnomAD no frequency). In summary, the available evidence is currently insufficient to determine the role of this variant in disease. Therefore, it has been classified as a Variant of Uncertain Significance. Algorithms developed to predict the effect of missense changes on protein structure and function output the following: SIFT: "Tolerated"; PolyPhen-2: "Benign"; Align-GVGD: "Class C0". The valine amino acid residue is found in multiple mammalian species, which suggests that this missense change does not adversely affect protein function. This variant has not been reported in the literature in individuals affected with MLH3-related conditions.